The following is an entry in ClinVar:

NM_005251.3(FOXC2):c.1298del (p.Asn433fs)

Gene: FOXC2 (forkhead box C2; plus strand). Cytogenetic location: 16q24.1.
Variant type: Deletion.
Coding change: c.1298del on transcript NM_005251.3 (MANE Select); coding-DNA position 1298, one base deleted (A; older notation c.1298delA).
Protein change: p.Asn433fs; shifts the reading frame from asparagine 433.
Molecular consequence: frameshift variant.
Genome position (GRCh38, 1-based): chr16:86,568,633, A deleted; the last of 2 consecutive A bases (chr16:86,568,632-86,568,633); deleting either gives the same sequence. VCF-style (leftmost placement, unchanged base first): chr16-86568631-GA-G. GRCh37 (hg19) VCF-style: chr16-86602237-GA-G.
Other names: short protein forms N433fs.
Identifiers: ClinVar variation 5018438 (VCV005018438.1).
Genomic context (GRCh38, chr16:86,568,631, plus strand): 5'-GCAGCCCGGGGCCGCCGCGGCGCAGGCGGCCTCCTGGTATCTCAACCACAGCGGGGACCT[GA>G]ACCACCTCCCCGGCCACACGTTCGCGGCCCAGCAGCAAACTTTCCCCAACGTGCGGGAGA-3'

ClinVar aggregate classification (germline): Likely pathogenic (1 of 4 stars; one submission).

Submission:

GeneDx
Classification: Likely pathogenic. Last evaluated: 2026-04-02. Review status: criteria provided, single submitter. Criteria: GeneDx Variant Classification Process June 2021. Collection method: clinical testing. Allele origin: germline.
Comment: Has been reported in a patient with lymphedema-distichiasis syndrome but detailed clinical information was not available (PMID: 15906099); Frameshift variant predicted to result in abnormal protein length as the last 69 amino acid(s) are replaced with 38 different amino acid(s), and other similar variants have been reported in HGMD; Not observed at significant frequency in large population cohorts (gnomAD); This variant is associated with the following publications: (PMID: 15906099)